The following is an entry in ClinVar:

NM_000497.4(CYP11B1):c.1465T>C (p.Leu489=)

Genes: CYP11B1 (cytochrome P450 family 11 subfamily B member 1; minus strand), LOC106799833 (CYP11B1 recombination region; plus strand). Cytogenetic location: 8q24.3.
Variant type: single nucleotide variant.
Coding change: c.1465T>C on transcript NM_000497.4 (MANE Select); coding-DNA position 1465, T replaced by C.
Protein change: p.Leu489=; no amino-acid change (leucine 489 retained).
Molecular consequence: synonymous variant.
Genome position (GRCh38, 1-based): chr8:142,874,420, A>G on the plus strand (T>C on the coding strand, the complement: CYP11B1 is on the minus strand). VCF-style: chr8-142874420-A-G. GRCh37 (hg19) VCF-style: chr8-143955836-A-G.
Other names: c.1267T>C, p.Leu423= (NM_001026213.1).
Identifiers: ClinVar variation 910935 (VCV000910935.13), dbSNP rs373736765, ClinGen allele CA4904946.
Genomic context (GRCh38, chr8:142,874,420, plus strand): 5'-TGCAGAGACGTGATTAGTTGATGGCTCTGAAGGTGAGGAGGGGGAACATGCTGGGCCTCA[A>G]TATGAAGCTGTAGACCATCTTTATGTCCTCTTGGGTTAGTGTCTCCACCTGGAGGTGTTT-3'
Protein context (NP_000488.3, residues 479-499): EDIKMVYSFI[Leu489=]RPSMFPLLTF

ClinVar aggregate classification (germline): Conflicting classifications of pathogenicity. Review status: criteria provided, conflicting classifications (1 of 4 stars). 4 submissions from 3 submitters: Uncertain significance (1); Likely benign (3). Last evaluated 2026-01-11.

Conditions:
Deficiency of steroid 11-beta-monooxygenase (CYP11B1). Also called: ADRENAL HYPERPLASIA, CONGENITAL, DUE TO STEROID 11-BETA-HYDROXYLASE DEFICIENCY; 11-BETA-HYDROXYLASE DEFICIENCY; P450C11B1 DEFICIENCY; STEROID 11-BETA-HYDROXYLASE DEFICIENCY; Congenital adrenal hyperplasia due to 11-beta-hydroxylase deficiency; ADRENAL HYPERPLASIA IV. Identifiers: Orphanet 90795, MedGen C0268292, MONDO:0008729, OMIM 202010. Disease mechanism: loss of function.
Glucocorticoid-remediable aldosteronism. Also called: Hyperaldosteronism, familial, type I; ACTH-DEPENDENT HYPERALDOSTERONISM SYNDROME; ALDOSTERONISM, SENSITIVE TO DEXAMETHASONE; FH I; GLUCOCORTICOID-SUPPRESSIBLE HYPERALDOSTERONISM. Identifiers: Orphanet 403, MedGen C3838731, MONDO:0007080, OMIM 103900.

Allele frequency attached by ClinVar (database versions not stated): gnomAD exomes 0.00003 and 0.00012; TOPMed 0.00003; ExAC 0.00004; gnomAD 0.00004 and 0.00005; ESP Exome Variant Server 0.00008.
gnomAD v4.1: 171 of 1,613,960 alleles (0.011%); highest among the groups gnomAD compares: Non-Finnish European, 0.014%; no homozygotes.

Submissions (4):

Labcorp Genetics (formerly Invitae), Labcorp
Classification: Likely benign. Last evaluated: 2026-01-11. Review status: criteria provided, single submitter. Criteria: Invitae Variant Classification Sherloc (09022015). Collection method: clinical testing. Allele origin: germline.

Women's Health and Genetics/Laboratory Corporation of America, LabCorp
Classification: Likely benign. Last evaluated: 2023-02-23. Review status: criteria provided, single submitter. Criteria: LabCorp Variant Classification Summary - May 2015. Collection method: clinical testing. Allele origin: germline.

Illumina Laboratory Services, Illumina
Classification: Likely benign for Glucocorticoid-remediable aldosteronism. Last evaluated: 2018-01-12. Review status: criteria provided, single submitter. Criteria: ICSL Variant Classification Criteria 13 December 2019. Collection method: clinical testing. Allele origin: germline.
Comment: This variant was observed in the ICSL laboratory as part of a predisposition screen in an ostensibly healthy population. It had not been previously curated by ICSL or reported in the Human Gene Mutation Database (HGMD: prior to June 1st, 2018), and was therefore a candidate for classification through an automated scoring system. Utilizing variant allele frequency, disease prevalence and penetrance estimates, and inheritance mode, an automated score was calculated to assess if this variant is too frequent to cause the disease. Based on the score and internal cut-off values, a variant classified as likely benign is not then subjected to further curation. The score for this variant resulted in a classification of likely benign for this disease.

Illumina Laboratory Services, Illumina
Classification: Uncertain significance for Deficiency of steroid 11-beta-monooxygenase. Last evaluated: 2018-01-12. Review status: criteria provided, single submitter. Criteria: ICSL Variant Classification Criteria 13 December 2019. Collection method: clinical testing. Allele origin: germline.